The following is an entry in ClinVar:

NM_001164508.2(NEB):c.22486del (p.Tyr7496fs)

Genes: NEB (nebulin; minus strand), RIF1 (replication timing regulatory factor 1; plus strand). Cytogenetic location: 2q23.3.
Variant type: Deletion.
Coding change: c.22486del on transcript NM_001164508.2 (MANE Select); coding-DNA position 22486, one base deleted (T; older notation c.22486delT).
Protein change: p.Tyr7496fs; shifts the reading frame from tyrosine 7496.
Molecular consequence: frameshift variant.
Genome position (GRCh38, 1-based): chr2:151,519,762, A deleted on the plus strand (T on the coding strand, the reverse complement: NEB is on the minus strand). VCF-style (leftmost placement, unchanged base first): chr2-151519761-TA-T. GRCh37 (hg19) VCF-style: chr2-152376275-TA-T.
Other names: c.22486del, p.Tyr7496fs (NM_001164507.2); c.22591delT, p.Tyr7531Thrfs (NM_001271208.1); c.22591del, p.Tyr7531fs (NM_001271208.2); c.17383del, p.Tyr5795fs (NM_004543.5); short protein forms Y5795fs, Y7496fs, Y7531fs.
Identifiers: ClinVar variation 4814752 (VCV004814752.2).

ClinVar aggregate classification (germline): Pathogenic/Likely pathogenic. Review status: criteria provided, multiple submitters, no conflicts (2 of 4 stars). 2 submissions from 2 submitters: Pathogenic (1); Likely pathogenic (1). Last evaluated 2025-12-29.

Conditions:
Nemaline myopathy 2 (NEM2). Also called: Nemaline myopathy 2, autosomal recessive. Identifiers: MedGen C1850569, MONDO:0009725, OMIM 256030.

Submissions (2):

Natera, Inc.
Classification: Likely pathogenic for Nemaline myopathy type 2. Last evaluated: 2025-12-29. Review status: criteria provided, single submitter. Criteria: Natera Variant Classification Schema (03/2026). Collection method: clinical testing. Allele origin: germline.
Comment: The c.22591del variant in NEB is a frameshift variant predicted to shift the reading frame beginning at codon 7531 and leads to a stop codon 26 codons downstream. This variant is expected to result in nonsense mediated decay, truncation, or a dysfunctional protein product. This variant is rare in the general population with a frequency below the threshold expected for the associated phenotype(s). Given the available evidence, this variant is classified as Likely Pathogenic.

Myriad Genetics, Inc.
Classification: Pathogenic for Nemaline myopathy 2. Last evaluated: 2023-08-20. Review status: criteria provided, single submitter. Criteria: Myriad Autosomal Dominant, Autosomal Recessive and X-Linked Classification Criteria (2023). Collection method: clinical testing. Allele origin: unknown.
Comment: NM_001271208.1(NEB):c.22591delT(Y7531Tfs*26) is expected to be pathogenic in the context of NEB-related nemaline myopathy. This variant is predicted to lead to an abnormal or absent protein product due to the creation of a premature termination codon in NEB, a gene where loss-of-function variants are known to be pathogenic. Please note: this variant was assessed in the context of healthy population screening.